The following is an entry in ClinVar:

ClinVar aggregate classification (germline): Likely benign. Review status: criteria provided, multiple submitters, no conflicts (2 of 4 stars). 4 submissions from 4 submitters: Likely benign (3). 1 of the submissions does not count toward it. Last evaluated 2025-11-08.

Conditions:
TTC21B-related disorder. Also called: TTC21B-related condition; TTC21B-related disorders.
Jeune thoracic dystrophy. Also called: Short-rib thoracic dysplasia; Jeune syndrome; Infantile thoracic dystrophy; Thoracic pelvic phalangeal dystrophy; Jeune's syndrome; Chondroectodermal dysplasia-like syndrome. Identifiers: Orphanet 474, MedGen C0265275, MONDO:0018770.
Nephronophthisis. Also called: Juvenile Nephronophthisis. Identifiers: Orphanet 655, MedGen C0687120, MONDO:0019005, HP:0000090.
Asphyxiating thoracic dystrophy 4 (SRTD4). Also called: SHORT-RIB THORACIC DYSPLASIA 4; SHORT-RIB THORACIC DYSPLASIA 4 WITH OR WITHOUT POLYDACTYLY. Identifiers: Orphanet 474, MedGen C3151185, MONDO:0013441, OMIM 613819.
Nephronophthisis 12 (NPHP12). Identifiers: Orphanet 655, MedGen C3151186, MONDO:0013442, OMIM 613820.

Allele frequency attached by ClinVar (database versions not stated): gnomAD exomes 0.00004 and 0.00012; 1000 Genomes Project 0.00020; 1000 Genomes Project 30x 0.00031; ESP Exome Variant Server 0.00031; gnomAD 0.00036 and 0.00041; TOPMed 0.00048.
gnomAD v4.1: 115 of 1,614,008 alleles (0.0071%); highest among the groups gnomAD compares: African/African-American, 0.12%; no homozygotes.

Submissions (4):

Labcorp Genetics (formerly Invitae), Labcorp
Classification: Likely benign for Jeune thoracic dystrophy; Nephronophthisis. Last evaluated: 2025-11-08. Review status: criteria provided, single submitter. Criteria: Invitae Variant Classification Sherloc (09022015). Collection method: clinical testing. Allele origin: germline.

Blueprint Genetics
Classification: Likely benign. Last evaluated: 2024-10-02. Review status: criteria provided, single submitter. Criteria: ACMG Guidelines, 2015. Collection method: clinical testing. Allele origin: germline.

Fulgent Genetics
Classification: Likely benign for Asphyxiating thoracic dystrophy 4; Nephronophthisis 12. Last evaluated: 2021-10-22. Review status: criteria provided, single submitter. Criteria: ACMG Guidelines, 2015. Collection method: clinical testing. Allele origin: unknown.

PreventionGenetics, part of Exact Sciences
Classification: Likely benign for TTC21B-related condition. Last evaluated: 2022-12-09. Review status: no assertion criteria provided. Collection method: clinical testing. Allele origin: germline. Not counted in ClinVar's aggregate classification.
Comment: This variant is classified as likely benign based on ACMG/AMP sequence variant interpretation guidelines (Richards et al. 2015 PMID: 25741868, with internal and published modifications).

NM_024753.5(TTC21B):c.2829A>G (p.Leu943=)

Gene: TTC21B (tetratricopeptide repeat domain 21B; minus strand). Cytogenetic location: 2q24.3.
Variant type: single nucleotide variant.
Coding change: c.2829A>G on transcript NM_024753.5 (MANE Select); coding-DNA position 2829, A replaced by G.
Protein change: p.Leu943=; no amino-acid change (leucine 943 retained).
Molecular consequence: synonymous variant.
Genome position (GRCh38, 1-based): chr2:165,899,809, T>C on the plus strand (A>G on the coding strand, the complement: TTC21B is on the minus strand). VCF-style: chr2-165899809-T-C. GRCh37 (hg19) VCF-style: chr2-166756319-T-C.
Identifiers: ClinVar variation 699613 (VCV000699613.15), dbSNP rs146009256, ClinGen allele CA1941687.